The following is an entry in ClinVar:

ClinVar aggregate classification (germline): Likely benign. Review status: criteria provided, multiple submitters, no conflicts (2 of 4 stars). 2 submissions from 2 submitters: Likely benign (2). Last evaluated 2025-12-10.

Conditions:
MCCC2-related disorder. Also called: MCCC2-related condition.
3-methylcrotonyl-CoA carboxylase 2 deficiency. Also called: 3 alpha methylcrotonyl-CoA carboxylase 2 deficiency; 3 alpha methylcrotonylglycinuria 2; MCC 2 deficiency; Methylcrotonylglycinuria type 2; METHYLCROTONYLGLYCINURIA, TYPE II. Identifiers: Orphanet 6, MedGen C1859499, MONDO:0008862, OMIM 210210.

Allele frequency attached by ClinVar (database versions not stated): gnomAD 0.00001; TOPMed 0.00001; gnomAD exomes 0.00002.
gnomAD v4.1: 14 of 1,614,040 alleles (0.00087%); highest among the groups gnomAD compares: Admixed American, 0.0033%; no homozygotes.

Submissions (2):

Labcorp Genetics (formerly Invitae), Labcorp
Classification: Likely benign for 3-methylcrotonyl-CoA carboxylase 2 deficiency. Last evaluated: 2025-12-10. Review status: criteria provided, single submitter. Criteria: Invitae Variant Classification Sherloc (09022015). Collection method: clinical testing. Allele origin: germline.

PreventionGenetics, part of Exact Sciences
Classification: Likely benign for MCCC2-related condition. Last evaluated: 2024-12-30. Review status: criteria provided, single submitter. Criteria: ACMG Guidelines, 2015. Collection method: clinical testing. Allele origin: germline.
Comment: This variant is classified as likely benign based on ACMG/AMP sequence variant interpretation guidelines (Richards et al. 2015 PMID: 25741868, with internal and published modifications).

NM_022132.5(MCCC2):c.1452G>A (p.Thr484=)

Gene: MCCC2 (methylcrotonyl-CoA carboxylase subunit 2; plus strand). Cytogenetic location: 5q13.2.
Variant type: single nucleotide variant.
Coding change: c.1452G>A on transcript NM_022132.5 (MANE Select); coding-DNA position 1452, G replaced by A.
Protein change: p.Thr484=; no amino-acid change (threonine 484 retained).
Molecular consequence: synonymous variant.
Genome position (GRCh38, 1-based): chr5:71,650,147, G>A. VCF-style: chr5-71650147-G-A. GRCh37 (hg19) VCF-style: chr5-70945974-G-A.
Other names: c.1338G>A, p.Thr446= (NM_001363147.1); c.1452G>A (NM_022132.4).
Identifiers: ClinVar variation 1102343 (VCV001102343.10), dbSNP rs1345577961, ClinGen allele CA444802862.
Genomic context (GRCh38, chr5:71,650,147, plus strand): 5'-TTGGCCAAATGCTCGTATCTCAGTGATGGGAGGAGAGCAGGCAGCCAATGTGTTGGCCAC[G>A]ATAACAAAGGACCAAAGAGCCCGGGAAGGAAAGCAGGTCGGTGTCGTTTTCTCTTGTTTC-3'
Protein context (NP_071415.1, residues 474-494): GGEQAANVLA[Thr484=]ITKDQRAREG